The following is an entry in ClinVar:

NM_007194.4(CHEK2):c.1009-5T>G

Gene: CHEK2 (checkpoint kinase 2; minus strand). Cytogenetic location: 22q12.1.
Variant type: single nucleotide variant.
Coding change: c.1009-5T>G on transcript NM_007194.4 (MANE Select); 5 bases into the intron before coding-DNA position 1009, T replaced by G.
Molecular consequence: intron variant.
Genome position (GRCh38, 1-based): chr22:28,696,992, A>C on the plus strand (T>G on the coding strand, the complement: CHEK2 is on the minus strand). VCF-style: chr22-28696992-A-C. GRCh37 (hg19) VCF-style: chr22-29092980-A-C.
Other names: c.346-5T>G (NM_001437942.1, NM_001257387.3); c.808-5T>G (NM_001349956.3); c.1009-1119T>G (NM_145862.3); c.1102-1119T>G (NM_001438295.1); c.1102-5T>G (NM_001438293.1); c.1138-1119T>G (NM_001438294.1); c.1138-5T>G (NM_001005735.3).
Identifiers: ClinVar variation 2834928 (VCV002834928.6), dbSNP rs1555914393, ClinGen allele CA2739265705.
Genomic context (GRCh38, chr22:28,696,992, plus strand): 5'-AGTAAAACATTCTCTGGCTTTAAGTCACGGTGTATAATACCGTTTTCATGAAGGTACTAC[A>C]CAGAAAGGCAGGCATGACCCTCAGATTCATGCAGTAGATACTTAAGTAGAATCAAAGTTA-3'

ClinVar aggregate classification (germline): Conflicting classifications of pathogenicity. Review status: criteria provided, conflicting classifications (1 of 4 stars). 2 submissions from 2 submitters: Likely pathogenic (1); Uncertain significance (1). Last evaluated 2025-10-29.

Conditions:
Hereditary cancer-predisposing syndrome. Also called: Tumor predisposition; Neoplastic Syndromes, Hereditary; Hereditary Cancer Syndrome; Hereditary neoplastic syndrome. Identifiers: Orphanet 140162, MedGen C0027672, MeSH D009386, MONDO:0015356.
Familial cancer of breast. Also called: hereditary breast carcinoma; BREAST CANCER, FAMILIAL; Hereditary breast cancer. Identifiers: Orphanet 227535, MedGen C0346153, MONDO:0016419, OMIM 114480. Disease mechanism: loss of function.

Submissions (3):

Ambry Genetics
Classification: Likely pathogenic for Hereditary cancer-predisposing syndrome. Last evaluated: 2025-10-29. Review status: criteria provided, single submitter. Criteria: Ambry Variant Classification Scheme 2023. Collection method: clinical testing. Allele origin: germline.
Comment: The c.1009-5T>G intronic variant results from a T to G substitution 5 nucleotides upstream from coding exon 9 in the CHEK2 gene. This nucleotide position is well conserved in available vertebrate species. In silico splice site analysis predicts that this alteration will weaken the native splice acceptor site. RNA studies have demonstrated that this alteration results in abnormal splicing in the set of samples tested (Ambry internal data). Based on the majority of available evidence to date, this variant is likely to be pathogenic.

Labcorp Genetics (formerly Invitae), Labcorp
Classification: Uncertain significance for Familial cancer of breast. Last evaluated: 2025-08-25. Review status: criteria provided, single submitter. Criteria: Invitae Variant Classification Sherloc (09022015). Collection method: clinical testing. Allele origin: germline.
Comment: This sequence change falls in intron 9 of the CHEK2 gene. It does not directly change the encoded amino acid sequence of the CHEK2 protein. This variant is not present in population databases (gnomAD no frequency). This variant has not been reported in the literature in individuals affected with CHEK2-related conditions. ClinVar contains an entry for this variant (Variation ID: 2834928). Algorithms developed to predict the effect of sequence changes on RNA splicing suggest that this variant may disrupt the consensus splice site. In summary, the available evidence is currently insufficient to determine the role of this variant in disease. Therefore, it has been classified as a Variant of Uncertain Significance.

Dr. Peter K. Rogan Lab, Western University
No classification provided (evidence only). Condition: Malignant tumor of esophagus. Review status: no classification provided. Collection method: in vitro. Allele origin: not applicable. Functional consequence: skipped exon, retained intron. Not counted in ClinVar's aggregate classification.